The following is an entry in ClinVar:

NM_000540.3(RYR1):c.8920A>G (p.Ile2974Val)

Gene: RYR1 (ryanodine receptor 1; plus strand). Cytogenetic location: 19q13.2.
Variant type: single nucleotide variant.
Coding change: c.8920A>G on transcript NM_000540.3 (MANE Select); coding-DNA position 8920, A replaced by G.
Protein change: p.Ile2974Val; replaces isoleucine 2974 with valine.
Molecular consequence: missense variant.
Genome position (GRCh38, 1-based): chr19:38,507,815, A>G. VCF-style: chr19-38507815-A-G. GRCh37 (hg19) VCF-style: chr19-38998455-A-G.
Other names: c.8920A>G, p.Ile2974Val (NM_001042723.2); short protein forms I2974V.
Identifiers: ClinVar variation 1462049 (VCV001462049.5), dbSNP rs1010807883, ClinGen allele CA405682335.
Genomic context (GRCh38, chr19:38,507,815, plus strand): 5'-CGGTTTGCCTTTGGCTTCCTGCAGCAGCTGCTGCGCTGGATGGACATTTCTCAGGAGTTC[A>G]TTGCCCACCTGGGTACGGAGAAATACCCCCCGCTTATGCCCGCCCCACCTGCAGACACCA-3'
Protein context (NP_000531.2, residues 2964-2984): LRWMDISQEF[Ile2974Val]AHLEAVVSSG

ClinVar aggregate classification (germline): Uncertain significance (1 of 4 stars; one submission).

Conditions:
RYR1-related disorder. Also called: RYR1-related condition; RYR1-related disorders. Identifiers: MedGen CN239331.

Submission:

Labcorp Genetics (formerly Invitae), Labcorp
Classification: Uncertain significance for RYR1-related disorder. Last evaluated: 2021-08-27. Review status: criteria provided, single submitter. Criteria: Invitae Variant Classification Sherloc (09022015). Collection method: clinical testing. Allele origin: germline.
Comment: This sequence change replaces isoleucine with valine at codon 2974 of the RYR1 protein (p.Ile2974Val). The isoleucine residue is highly conserved and there is a small physicochemical difference between isoleucine and valine. This variant is not present in population databases (ExAC no frequency). This missense change has been observed in individual(s) with clinical features of malignant hyperthermia (Invitae). Advanced modeling of protein sequence and biophysical properties (such as structural, functional, and spatial information, amino acid conservation, physicochemical variation, residue mobility, and thermodynamic stability) performed at Invitae indicates that this missense variant is not expected to disrupt RYR1 protein function. In summary, the available evidence is currently insufficient to determine the role of this variant in disease. Therefore, it has been classified as a Variant of Uncertain Significance.